The following is an entry in ClinVar:

NM_005529.7(HSPG2):c.10325C>T (p.Pro3442Leu)

Gene: HSPG2 (heparan sulfate proteoglycan 2; minus strand). Cytogenetic location: 1p36.12.
Variant type: single nucleotide variant.
Coding change: c.10325C>T on transcript NM_005529.7 (MANE Select); coding-DNA position 10325, C replaced by T.
Protein change: p.Pro3442Leu; replaces proline 3442 with leucine.
Molecular consequence: missense variant.
Genome position (GRCh38, 1-based): chr1:21,836,832, G>A on the plus strand (C>T on the coding strand, the complement: HSPG2 is on the minus strand). VCF-style: chr1-21836832-G-A. GRCh37 (hg19) VCF-style: chr1-22163325-G-A.
Other names: c.10328C>T, p.Pro3443Leu (NM_001291860.2); short protein forms P3442L, P3443L.
Identifiers: ClinVar variation 875764 (VCV000875764.9), dbSNP rs763711047, ClinGen allele CA670173.

ClinVar aggregate classification (germline): Uncertain significance. Review status: criteria provided, multiple submitters, no conflicts (2 of 4 stars). 5 submissions from 4 submitters: Uncertain significance (5). Last evaluated 2023-10-10.

Conditions:
Lethal Kniest-like syndrome (DDSH). Also called: Dyssegmental Dysplasia. Identifiers: Orphanet 1865, MedGen C1857100, MONDO:0009140, OMIM 224410.
Schwartz-Jampel syndrome. Also called: Myotonic myopathy dwarfism chondrodystrophy and ocular and facial abnormalities. Identifiers: Orphanet 800, MedGen C0036391, MONDO:0009717.
Inborn genetic diseases. Identifiers: MedGen C0950123, MeSH D030342.

Allele frequency attached by ClinVar (database versions not stated): gnomAD exomes 0.00003 and 0.00004; ExAC 0.00004; gnomAD 0.00005 and 0.00006; TOPMed 0.00005.

Submissions (5):

Ambry Genetics
Classification: Uncertain significance for Inborn genetic diseases. Last evaluated: 2023-10-10. Review status: criteria provided, single submitter. Criteria: Ambry Variant Classification Scheme 2023. Collection method: clinical testing. Allele origin: germline.

Labcorp Genetics (formerly Invitae), Labcorp
Classification: Uncertain significance. Last evaluated: 2023-07-17. Review status: criteria provided, single submitter. Criteria: Invitae Variant Classification Sherloc (09022015). Collection method: clinical testing. Allele origin: germline.
Comment: This sequence change replaces proline, which is neutral and non-polar, with leucine, which is neutral and non-polar, at codon 3442 of the HSPG2 protein (p.Pro3442Leu). The frequency data for this variant in the population databases is considered unreliable, as metrics indicate poor data quality at this position in the gnomAD database. This variant has not been reported in the literature in individuals affected with HSPG2-related conditions. ClinVar contains an entry for this variant (Variation ID: 875764). An algorithm developed to predict the effect of missense changes on protein structure and function (PolyPhen-2) suggests that this variant¬†is likely to be tolerated. In summary, the available evidence is currently insufficient to determine the role of this variant in disease. Therefore, it has been classified as a Variant of Uncertain Significance.

Revvity Omics, Revvity
Classification: Uncertain significance. Last evaluated: 2020-03-14. Review status: criteria provided, single submitter. Criteria: ACMG Guidelines, 2015. Collection method: clinical testing. Allele origin: germline.

Illumina Laboratory Services, Illumina
Classification: Uncertain significance for Schwartz-Jampel syndrome type 1. Last evaluated: 2018-01-12. Review status: criteria provided, single submitter. Criteria: ICSL Variant Classification Criteria 13 December 2019. Collection method: clinical testing. Allele origin: germline.

Illumina Laboratory Services, Illumina
Classification: Uncertain significance for Lethal Kniest-like syndrome. Last evaluated: 2018-01-12. Review status: criteria provided, single submitter. Criteria: ICSL Variant Classification Criteria 13 December 2019. Collection method: clinical testing. Allele origin: germline.